The following is an entry in ClinVar:

ClinVar aggregate classification (germline): Uncertain significance (1 of 4 stars; one submission).

Conditions:
KMT2C-related disorder. Also called: KMT2C-related condition; KMT2C-related disorders.

Allele frequency attached by ClinVar (database versions not stated): gnomAD exomes below 0.00001.
gnomAD v4.1: 1 of 1,614,188 alleles (0.000062%); highest among the groups gnomAD compares: Non-Finnish European, 0.000085%; no homozygotes.

Submission:

PreventionGenetics, part of Exact Sciences
Classification: Uncertain significance for KMT2C-related condition. Last evaluated: 2023-07-12. Review status: criteria provided, single submitter. Criteria: ACMG Guidelines, 2015. Collection method: clinical testing. Allele origin: germline.
Comment: The KMT2C c.8572G>A variant is predicted to result in the amino acid substitution p.Ala2858Thr. To our knowledge, this variant has not been reported in the literature. This variant is reported in 0.00088% of alleles in individuals of European (Non-Finnish) descent in gnomAD. At this time, the clinical significance of this variant is uncertain due to the absence of conclusive functional and genetic evidence.

NM_170606.3(KMT2C):c.8572G>A (p.Ala2858Thr)

Gene: KMT2C (lysine methyltransferase 2C; minus strand). Cytogenetic location: 7q36.1.
Variant type: single nucleotide variant.
Coding change: c.8572G>A on transcript NM_170606.3 (MANE Select); coding-DNA position 8572, G replaced by A.
Protein change: p.Ala2858Thr; replaces alanine 2858 with threonine.
Molecular consequence: missense variant.
Genome position (GRCh38, 1-based): chr7:152,176,881, C>T on the plus strand (G>A on the coding strand, the complement: KMT2C is on the minus strand). VCF-style: chr7-152176881-C-T. GRCh37 (hg19) VCF-style: chr7-151873966-C-T.
Other names: short protein forms A2858T.
Identifiers: ClinVar variation 2635093 (VCV002635093.1), dbSNP rs1275547808, ClinGen allele CA370078656.